The following is an entry in ClinVar:

ClinVar aggregate classification (germline): Uncertain significance (0 of 4 stars; one submission).

Conditions:
LEPR-related disorder. Also called: LEPR-related condition; LEPR-related disorders.

Allele frequency attached by ClinVar (database versions not stated): TOPMed below 0.00001.
gnomAD v4.1: 27 of 1,608,482 alleles (0.0017%); highest among the groups gnomAD compares: South Asian, 0.0056%; no homozygotes.

Submission:

PreventionGenetics, part of Exact Sciences
Classification: Uncertain significance for LEPR-related condition. Last evaluated: 2024-02-22. Review status: no assertion criteria provided. Collection method: clinical testing. Allele origin: germline.
Comment: The LEPR c.2218A>G variant is predicted to result in the amino acid substitution p.Ile740Val. To our knowledge, this variant has not been reported in the literature. This variant is reported in 0.0033% of alleles in individuals of South Asian descent in gnomAD. At this time, the clinical significance of this variant is uncertain due to the absence of conclusive functional and genetic evidence.

NM_002303.6(LEPR):c.2218A>G (p.Ile740Val)

Gene: LEPR (leptin receptor; plus strand). Cytogenetic location: 1p31.3.
Variant type: single nucleotide variant.
Coding change: c.2218A>G on transcript NM_002303.6 (MANE Select); coding-DNA position 2218, A replaced by G.
Protein change: p.Ile740Val; replaces isoleucine 740 with valine.
Molecular consequence: missense variant.
Genome position (GRCh38, 1-based): chr1:65,617,969, A>G. VCF-style: chr1-65617969-A-G. GRCh37 (hg19) VCF-style: chr1-66083652-A-G.
Other names: c.2218A>G, p.Ile740Val (NM_001003679.3, NM_001003680.3, NM_001198687.2 and 2 more transcripts); short protein forms I740V.
Identifiers: ClinVar variation 3031769 (VCV003031769.2), dbSNP rs1289072617, ClinGen allele CA340678429.